The following is an entry in ClinVar:

NM_138393.4(REEP6):c.517+128C>T

Gene: REEP6 (receptor accessory protein 6; plus strand). Cytogenetic location: 19p13.3.
Variant type: single nucleotide variant.
Coding change: c.517+128C>T on transcript NM_138393.4 (MANE Select); 128 bases into the intron after coding-DNA position 517, C replaced by T.
Molecular consequence: intron variant.
Genome position (GRCh38, 1-based): chr19:1,496,581, C>T. VCF-style: chr19-1496581-C-T. GRCh37 (hg19) VCF-style: chr19-1496580-C-T.
Other names: c.518-10C>T (NM_001329556.3, NM_001329556.1).
Identifiers: ClinVar variation 2057838 (VCV002057838.7), dbSNP rs757550055, ClinGen allele CA9047636.

ClinVar aggregate classification (germline): Likely benign. Review status: criteria provided, multiple submitters, no conflicts (2 of 4 stars). 3 submissions from 3 submitters: Likely benign (2). 1 of the submissions does not count toward it. Last evaluated 2024-06-23.

Conditions:
REEP6-related disorder. Also called: REEP6-related condition.

Allele frequency attached by ClinVar (database versions not stated): gnomAD exomes 0.00006; TOPMed 0.00006; gnomAD 0.00007.
gnomAD v4.1: 68 of 1,197,596 alleles (0.0057%); highest among the groups gnomAD compares: Non-Finnish European, 0.0078%; no homozygotes.

Submissions (3):

Labcorp Genetics (formerly Invitae), Labcorp
Classification: Likely benign. Last evaluated: 2024-06-23. Review status: criteria provided, single submitter. Criteria: Invitae Variant Classification Sherloc (09022015). Collection method: clinical testing. Allele origin: germline.

Blueprint Genetics
Classification: Likely benign. Last evaluated: 2024-05-22. Review status: criteria provided, single submitter. Criteria: ACMG Guidelines, 2015. Collection method: clinical testing. Allele origin: germline.

PreventionGenetics, part of Exact Sciences
Classification: Likely benign for REEP6-related condition. Last evaluated: 2021-03-16. Review status: no assertion criteria provided. Collection method: clinical testing. Allele origin: germline. Not counted in ClinVar's aggregate classification.
Comment: This variant is classified as likely benign based on ACMG/AMP sequence variant interpretation guidelines (Richards et al. 2015 PMID: 25741868, with internal and published modifications).